The following is an entry in ClinVar:

NM_182978.4(GNAL):c.884G>A (p.Arg295Lys)

Gene: GNAL (G protein subunit alpha L; plus strand). Cytogenetic location: 18p11.21.
Variant type: single nucleotide variant.
Coding change: c.884G>A on transcript NM_182978.4 (MANE Select); coding-DNA position 884, G replaced by A.
Protein change: p.Arg295Lys; replaces arginine 295 with lysine.
Molecular consequence: missense variant.
Genome position (GRCh38, 1-based): chr18:11,867,200, G>A. VCF-style: chr18-11867200-G-A. GRCh37 (hg19) VCF-style: chr18-11867199-G-A.
Other names: c.653G>A, p.Arg218Lys (NM_001142339.3, NM_001261443.2, NM_001369387.1); c.32G>A, p.Arg11Lys (NM_001261444.2); short protein forms R218K, R11K, R295K.
Identifiers: ClinVar variation 4740342 (VCV004740342.1).

ClinVar aggregate classification (germline): Uncertain significance (1 of 4 stars; one submission).

Conditions:
Dystonic disorder. Also called: Dystonia. Identifiers: MedGen C0013421, MONDO:0003441, HP:0001332.

Submission:

Labcorp Genetics (formerly Invitae), Labcorp
Classification: Uncertain significance for Dystonic disorder. Last evaluated: 2025-09-23. Review status: criteria provided, single submitter. Criteria: Invitae Variant Classification Sherloc (09022015). Collection method: clinical testing. Allele origin: germline.
Comment: This sequence change replaces arginine, which is basic and polar, with lysine, which is basic and polar, at codon 218 of the GNAL protein (p.Arg218Lys). This variant is not present in population databases (gnomAD no frequency). This variant has not been reported in the literature in individuals affected with GNAL-related conditions. Invitae Evidence Modeling of protein sequence and biophysical properties (such as structural, functional, and spatial information, amino acid conservation, physicochemical variation, residue mobility, and thermodynamic stability) has been performed for this missense variant. However, the output from this modeling did not meet the statistical confidence thresholds required to predict the impact of this variant on GNAL protein function. In summary, the available evidence is currently insufficient to determine the role of this variant in disease. Therefore, it has been classified as a Variant of Uncertain Significance.